The following is an entry in ClinVar:

NC_000010.10:g.(?_69366605)_(69366817_?)del

Gene: CTNNA3 (catenin alpha 3; minus strand). Cytogenetic location: 10q21.3.
Variant type: Deletion.
Identifiers: ClinVar variation 1000115 (VCV001000115.1).

ClinVar aggregate classification (germline): Uncertain significance (1 of 4 stars; one submission).

Conditions:
Arrhythmogenic right ventricular dysplasia 13. Also called: ARRHYTHMOGENIC RIGHT VENTRICULAR CARDIOMYOPATHY 13; Arrhythmogenic right ventricular dysplasia, familial, 13. Identifiers: MedGen C3810138, MONDO:0000908, OMIM 615616.

Submission:

Labcorp Genetics (formerly Invitae), Labcorp
Classification: Uncertain significance for Arrhythmogenic right ventricular dysplasia 13. Last evaluated: 2020-09-19. Review status: criteria provided, single submitter. Criteria: Invitae Variant Classification Sherloc (09022015). Collection method: clinical testing. Allele origin: germline.
Comment: This variant is an out-of-frame deletion of the genomic region encompassing exon(s) 3 of the CTNNA3 gene. This is expected to create a premature translational stop signal and result in an absent or disrupted protein product. This variant has not been reported in the literature in individuals with CTNNA3-related conditions. The current clinical and genetic evidence is not sufficient to establish whether loss-of-function variants in CTNNA3 cause disease. In summary, the available evidence is currently insufficient to determine the role of this variant in disease. Therefore, it has been classified as a Variant of Uncertain Significance.